The following is an entry in ClinVar:

ClinVar aggregate classification (germline): Pathogenic/Likely pathogenic. Review status: criteria provided, multiple submitters, no conflicts (2 of 4 stars). 2 submissions from 2 submitters: Pathogenic (1); Likely pathogenic (1). Last evaluated 2021-12-30.

Conditions:
Autosomal recessive ataxia, Beauce type. Also called: Spinocerebellar ataxia, autosomal recessive 8; ATAXIA, RECESSIVE, OF BEAUCE; SYNE1 Deficiency; SYNE1-Related Autosomal Recessive Cerebellar Ataxia. Identifiers: Orphanet 88644, MedGen C1853116, MONDO:0012549, OMIM 610743.
Emery-Dreifuss muscular dystrophy 4, autosomal dominant (EDMD4). Also called: EMERY-DREIFUSS MUSCULAR DYSTROPHY 4 WITH VARIABLE FEATURES. Identifiers: Orphanet 261, MedGen C2751807, MONDO:0013071, OMIM 612998.

Submissions (2):

Labcorp Genetics (formerly Invitae), Labcorp
Classification: Pathogenic for Emery-Dreifuss muscular dystrophy 4, autosomal dominant; Autosomal recessive ataxia, Beauce type. Last evaluated: 2021-12-30. Review status: criteria provided, single submitter. Criteria: Invitae Variant Classification Sherloc (09022015). Collection method: clinical testing. Allele origin: germline.
Comment: This variant is not present in population databases (gnomAD no frequency). This sequence change creates a premature translational stop signal (p.Gln5557*) in the SYNE1 gene. It is expected to result in an absent or disrupted protein product. Loss-of-function variants in SYNE1 are known to be pathogenic (PMID: 19542096, 24319099, 27086870). This variant has not been reported in the literature in individuals affected with SYNE1-related conditions. ClinVar contains an entry for this variant (Variation ID: 1256361). For these reasons, this variant has been classified as Pathogenic.

Athena Diagnostics
Classification: Likely pathogenic. Last evaluated: 2021-06-09. Review status: criteria provided, single submitter. Criteria: Athena Diagnostics Criteria. Collection method: clinical testing. Allele origin: unknown.
Comment: This variant is expected to result in the loss of a functional protein. This variant has not been reported in large, multi-ethnic general populations.

Literature cited by the submitters: PubMed 19542096 (cited by Labcorp Genetics (formerly Invitae), Labcorp); PubMed 24319099 (cited by Labcorp Genetics (formerly Invitae), Labcorp); PubMed 27086870 (cited by Labcorp Genetics (formerly Invitae), Labcorp).

NM_182961.4(SYNE1):c.16882C>T (p.Gln5628Ter)

Genes: SYNE1 (spectrin repeat containing nuclear envelope protein 1; minus strand), LOC126859837 (BRD4-independent group 4 enhancer GRCh37_chr6:152630775-152631974; plus strand). Cytogenetic location: 6q25.2.
Variant type: single nucleotide variant.
Coding change: c.16882C>T on transcript NM_182961.4 (MANE Select); coding-DNA position 16882, C replaced by T.
Protein change: p.Gln5628Ter; replaces glutamine 5628 with a stop codon.
Molecular consequence: nonsense.
Genome position (GRCh38, 1-based): chr6:152,310,702, G>A on the plus strand (C>T on the coding strand, the complement: SYNE1 is on the minus strand). VCF-style: chr6-152310702-G-A. GRCh37 (hg19) VCF-style: chr6-152631837-G-A.
Other names: c.16669C>T, p.Gln5557Ter (NM_033071.5); short protein forms Q5557*, Q5628*.
Identifiers: ClinVar variation 1256361 (VCV001256361.7), dbSNP rs2153836962, ClinGen allele CA366107740.